The following is an entry in ClinVar:

ClinVar aggregate classification (germline): Uncertain significance (1 of 4 stars; one submission).

gnomAD v4.1: 1 of 1,604,950 alleles (0.000062%); highest among the groups gnomAD compares: Non-Finnish European, 0.000085%; no homozygotes.

Submission:

Labcorp Genetics (formerly Invitae), Labcorp
Classification: Uncertain significance. Last evaluated: 2026-01-06. Review status: criteria provided, single submitter. Criteria: Invitae Variant Classification Sherloc (09022015). Collection method: clinical testing. Allele origin: germline.
Comment: This sequence change replaces glycine, which is neutral and non-polar, with arginine, which is basic and polar, at codon 1718 of the C2CD3 protein (p.Gly1718Arg). This variant is not present in population databases (gnomAD no frequency). This variant has not been reported in the literature in individuals affected with C2CD3-related conditions. Invitae Evidence Modeling of protein sequence and biophysical properties (such as structural, functional, and spatial information, amino acid conservation, physicochemical variation, residue mobility, and thermodynamic stability) has been performed for this missense variant. However, the output from this modeling did not meet the statistical confidence thresholds required to predict the impact of this variant on C2CD3 protein function. In summary, the available evidence is currently insufficient to determine the role of this variant in disease. Therefore, it has been classified as a Variant of Uncertain Significance.

NM_001286577.2(C2CD3):c.5152G>A (p.Gly1718Arg)

Gene: C2CD3 (C2 domain containing 3 centriole elongation regulator; minus strand). Cytogenetic location: 11q13.4.
Variant type: single nucleotide variant.
Coding change: c.5152G>A on transcript NM_001286577.2 (MANE Select); coding-DNA position 5152, G replaced by A.
Protein change: p.Gly1718Arg; replaces glycine 1718 with arginine.
Molecular consequence: missense variant.
Genome position (GRCh38, 1-based): chr11:74,054,610, C>T on the plus strand (G>A on the coding strand, the complement: C2CD3 is on the minus strand). VCF-style: chr11-74054610-C-T. GRCh37 (hg19) VCF-style: chr11-73765655-C-T.
Other names: c.5152G>A, p.Gly1718Arg (NM_015531.6); short protein forms G1718R.
Identifiers: ClinVar variation 4762359 (VCV004762359.1).